The following is an entry in ClinVar:

NM_013432.5(TONSL):c.1852C>G (p.Leu618Val)

Genes: TONSL (tonsoku like, DNA repair protein; minus strand), TONSL-AS1 (TONSL antisense RNA 1; plus strand). Cytogenetic location: 8q24.3.
Variant type: single nucleotide variant.
Coding change: c.1852C>G on transcript NM_013432.5 (MANE Select); coding-DNA position 1852, C replaced by G.
Protein change: p.Leu618Val; replaces leucine 618 with valine.
Molecular consequence: missense variant. On other transcripts: non-coding transcript variant (1).
Genome position (GRCh38, 1-based): chr8:144,436,795, G>C on the plus strand (C>G on the coding strand, the complement: TONSL is on the minus strand). VCF-style: chr8-144436795-G-C. GRCh37 (hg19) VCF-style: chr8-145662178-G-C.
Other names: short protein forms L618V.
Identifiers: ClinVar variation 1945179 (VCV001945179.3), dbSNP rs2537491623, ClinGen allele CA372661086.

ClinVar aggregate classification (germline): Uncertain significance (1 of 4 stars; one submission).

gnomAD v4.1: 1 of 1,611,536 alleles (0.000062%); no homozygotes.

Submission:

Labcorp Genetics (formerly Invitae), Labcorp
Classification: Uncertain significance. Last evaluated: 2023-07-07. Review status: criteria provided, single submitter. Criteria: Invitae Variant Classification Sherloc (09022015). Collection method: clinical testing. Allele origin: germline.
Comment: In summary, the available evidence is currently insufficient to determine the role of this variant in disease. Therefore, it has been classified as a Variant of Uncertain Significance. Advanced modeling of protein sequence and biophysical properties (such as structural, functional, and spatial information, amino acid conservation, physicochemical variation, residue mobility, and thermodynamic stability) performed at Invitae indicates that this missense variant is not expected to disrupt TONSL protein function. ClinVar contains an entry for this variant (Variation ID: 1945179). This variant has not been reported in the literature in individuals affected with TONSL-related conditions. This variant is not present in population databases (gnomAD no frequency). This sequence change replaces leucine, which is neutral and non-polar, with valine, which is neutral and non-polar, at codon 618 of the TONSL protein (p.Leu618Val).